The following is an entry in ClinVar:

NC_000017.10:g.(?_29421945)_(29509683_?)dup

Genes: MIR4733HG (MIR4733 host gene; minus strand), NF1 (neurofibromin 1; plus strand), LOC108281169 (NF1 intron 1 Alu-mediated recombination region; plus strand), LOC108281170 (NF1 intron 2 Alu-mediated recombination region; plus strand), LOC108281180 (NF1 intron 3 Alu-mediated recombination region; plus strand) and 1 more. Cytogenetic location: 17q11.2.
Variant type: Duplication.
Identifiers: ClinVar variation 417338 (VCV000417338.1).

ClinVar aggregate classification (germline): Uncertain significance (1 of 4 stars; one submission).

Conditions:
Neurofibromatosis, type 1 (NF1). Also called: NEUROFIBROMATOSIS, TYPE I, SOMATIC; Peripheral type neurofibromatosis; Neurofibromatosis, type I; VON RECKLINGHAUSEN DISEASE. Identifiers: Orphanet 636, MedGen C0027831, MONDO:0018975, OMIM 162200. Disease mechanism: loss of function.

Submission:

Labcorp Genetics (formerly Invitae), Labcorp
Classification: Uncertain significance for Neurofibromatosis, type 1. Last evaluated: 2016-10-01. Review status: criteria provided, single submitter. Criteria: Invitae Variant Classification Sherloc (09022015). Collection method: clinical testing. Allele origin: germline.
Comment: This variant is a gross duplication of the genomic region encompassing exons 1-8 of the NF1 gene. The 5' end of this event is unknown as it extends beyond the assayed region for this gene and therefore may encompass additional genes. The 3' boundary is likely confined to intron 8 of the NF1 gene. This particular duplication has not been reported previously in the literature. In summary, the exact genomic location of this variant is unknown and the impact of this duplication on NF1 protein function has not been established. Therefore, it has been classified as a Variant of Uncertain Significance.